The following is an entry in ClinVar:

NM_001256545.2(MEGF10):c.966G>C (p.Glu322Asp)

Gene: MEGF10 (multiple EGF like domains 10; plus strand). Cytogenetic location: 5q23.2.
Variant type: single nucleotide variant.
Coding change: c.966G>C on transcript NM_001256545.2 (MANE Select); coding-DNA position 966, G replaced by C.
Protein change: p.Glu322Asp; replaces glutamic acid 322 with aspartic acid.
Molecular consequence: missense variant.
Genome position (GRCh38, 1-based): chr5:127,410,437, G>C. VCF-style: chr5-127410437-G-C. GRCh37 (hg19) VCF-style: chr5-126746129-G-C.
Other names: c.966G>C, p.Glu322Asp (NM_001308119.2, NM_001308121.2, NM_032446.3); short protein forms E322D.
Identifiers: ClinVar variation 1988075 (VCV001988075.4), dbSNP rs2479677724, ClinGen allele CA360725860.
Genomic context (GRCh38, chr5:127,410,437, plus strand): 5'-CTTGCTTGGTAGGTGCCAGGATGAGTGTCCTGTTGGGACCTATGGCGTTCTCTGTGCTGA[G>C]ACCTGCCAGTGTGTCAACGGAGGGAAGTGTTACCACGTGAGCGGCGCATGCCTCTGTGAA-3'
Protein context (NP_001243474.1, residues 312-332): PVGTYGVLCA[Glu322Asp]TCQCVNGGKC

ClinVar aggregate classification (germline): Uncertain significance (1 of 4 stars; one submission).

Conditions:
MEGF10-related myopathy (CMYO10A). Also called: Congenital myopathy 10A, severe variant. Identifiers: Orphanet 439212, MedGen C3280679, MONDO:0013731, OMIM 614399.

Allele frequency attached by ClinVar (database versions not stated): gnomAD exomes below 0.00001.
gnomAD v4.1: 1 of 1,614,238 alleles (0.000062%); highest among the groups gnomAD compares: Non-Finnish European, 0.000085%; no homozygotes.

Submission:

Labcorp Genetics (formerly Invitae), Labcorp
Classification: Uncertain significance for MEGF10-related myopathy. Last evaluated: 2022-08-22. Review status: criteria provided, single submitter. Criteria: Invitae Variant Classification Sherloc (09022015). Collection method: clinical testing. Allele origin: germline.
Comment: In summary, the available evidence is currently insufficient to determine the role of this variant in disease. Therefore, it has been classified as a Variant of Uncertain Significance. Algorithms developed to predict the effect of missense changes on protein structure and function are either unavailable or do not agree on the potential impact of this missense change (SIFT: "Deleterious"; PolyPhen-2: "Benign"; Align-GVGD: "Class C15"). This variant has not been reported in the literature in individuals affected with MEGF10-related conditions. This variant is not present in population databases (gnomAD no frequency). This sequence change replaces glutamic acid, which is acidic and polar, with aspartic acid, which is acidic and polar, at codon 322 of the MEGF10 protein (p.Glu322Asp).